The following is an entry in ClinVar:

ClinVar aggregate classification (germline): Conflicting classifications of pathogenicity. Review status: criteria provided, conflicting classifications (1 of 4 stars). 2 submissions from 2 submitters: Uncertain significance (1); Likely benign (1). Last evaluated 2022-12-27.

Conditions:
Intellectual developmental disorder, autosomal dominant 1. Also called: Intellectual disability, autosomal dominant 1; MBD5 Haploinsufficiency. Identifiers: Orphanet 228402, MedGen C1969562, MONDO:0007974, OMIM 156200.
Inborn genetic diseases. Identifiers: MedGen C0950123, MeSH D030342.

Allele frequency attached by ClinVar (database versions not stated): gnomAD exomes below 0.00001; TOPMed below 0.00001; gnomAD 0.00001.
gnomAD v4.1: 3 of 1,614,042 alleles (0.00019%); highest among the groups gnomAD compares: Non-Finnish European, 0.00025%; no homozygotes.

Submissions (2):

Labcorp Genetics (formerly Invitae), Labcorp
Classification: Uncertain significance for Intellectual developmental disorder, autosomal dominant 1. Last evaluated: 2022-12-27. Review status: criteria provided, single submitter. Criteria: Invitae Variant Classification Sherloc (09022015). Collection method: clinical testing. Allele origin: germline.
Comment: In summary, the available evidence is currently insufficient to determine the role of this variant in disease. Therefore, it has been classified as a Variant of Uncertain Significance. Algorithms developed to predict the effect of missense changes on protein structure and function are either unavailable or do not agree on the potential impact of this missense change (SIFT: "Deleterious"; PolyPhen-2: "Not Available"; Align-GVGD: "Class C55"). This variant has not been reported in the literature in individuals affected with MBD5-related conditions. This variant is present in population databases (no rsID available, gnomAD 0.002%). This sequence change replaces lysine, which is basic and polar, with glutamic acid, which is acidic and polar, at codon 1258 of the MBD5 protein (p.Lys1258Glu).

Ambry Genetics
Classification: Likely benign for Inborn genetic diseases. Last evaluated: 2022-11-03. Review status: criteria provided, single submitter. Criteria: Ambry Variant Classification Scheme 2023. Collection method: clinical testing. Allele origin: germline.

NM_001378120.1(MBD5):c.4471A>G (p.Lys1491Glu)

Gene: MBD5 (methyl-CpG binding domain protein 5; plus strand). Cytogenetic location: 2q23.1.
Variant type: single nucleotide variant.
Coding change: c.4471A>G on transcript NM_001378120.1 (MANE Select); coding-DNA position 4471, A replaced by G.
Protein change: p.Lys1491Glu; replaces lysine 1491 with glutamic acid.
Molecular consequence: missense variant.
Genome position (GRCh38, 1-based): chr2:148,490,103, A>G. VCF-style: chr2-148490103-A-G. GRCh37 (hg19) VCF-style: chr2-149247672-A-G.
Other names: c.3772A>G, p.Lys1258Glu (NM_018328.5); c.3772A>G (NM_018328.4); short protein forms K1258E, K1491E.
Identifiers: ClinVar variation 2193363 (VCV002193363.5), dbSNP rs1258991767, ClinGen allele CA348729325.